The following is an entry in ClinVar:

ClinVar aggregate classification (germline): Uncertain significance (1 of 4 stars; one submission).

Allele frequency attached by ClinVar (database versions not stated): TOPMed 0.00003; gnomAD exomes 0.00002; ExAC 0.00003; gnomAD 0.00004.
gnomAD v4.1: 30 of 1,613,806 alleles (0.0019%); highest among the groups gnomAD compares: East Asian, 0.011%; no homozygotes.

Submission:

Labcorp Genetics (formerly Invitae), Labcorp
Classification: Uncertain significance. Last evaluated: 2026-01-05. Review status: criteria provided, single submitter. Criteria: Invitae Variant Classification Sherloc (09022015). Collection method: clinical testing. Allele origin: germline.
Comment: This sequence change replaces arginine, which is basic and polar, with glutamine, which is neutral and polar, at codon 978 of the SETD5 protein (p.Arg978Gln). This variant is present in population databases (rs756178441, gnomAD 0.005%). This missense change has been observed in individual(s) with neurodevelopmental disorders (PMID: 33004838). ClinVar contains an entry for this variant (Variation ID: 3013258). Invitae Evidence Modeling of protein sequence and biophysical properties (such as structural, functional, and spatial information, amino acid conservation, physicochemical variation, residue mobility, and thermodynamic stability) indicates that this missense variant is expected to disrupt SETD5 protein function with a positive predictive value of 80%. In summary, the available evidence is currently insufficient to determine the role of this variant in disease. Therefore, it has been classified as a Variant of Uncertain Significance.

Literature cited by the submitters: PubMed 33004838.

NM_001080517.3(SETD5):c.2933G>A (p.Arg978Gln)

Gene: SETD5 (SET domain containing 5; plus strand). Cytogenetic location: 3p25.3.
Variant type: single nucleotide variant.
Coding change: c.2933G>A on transcript NM_001080517.3 (MANE Select); coding-DNA position 2933, G replaced by A.
Protein change: p.Arg978Gln; replaces arginine 978 with glutamine.
Molecular consequence: missense variant.
Genome position (GRCh38, 1-based): chr3:9,470,667, G>A. VCF-style: chr3-9470667-G-A. GRCh37 (hg19) VCF-style: chr3-9512351-G-A.
Other names: c.2639G>A, p.Arg880Gln (NM_001292043.2, NM_001349451.2); short protein forms R880Q, R978Q.
Identifiers: ClinVar variation 3013258 (VCV003013258.3), dbSNP rs756178441, ClinGen allele CA2239580.
Genomic context (GRCh38, chr3:9,470,667, plus strand): 5'-TCCCAAGCAGAAGTGGAGATGGACATCAGACCCTCGTGAGAAACTCAGACCAGGCATTTC[G>A]GACAGAGTTCAACTTGATGTATGCCTACTCCCCTTTGAATGCTATGCCTCGAGCAGATGG-3'
Protein context (NP_001073986.1, residues 968-988): TLVRNSDQAF[Arg978Gln]TEFNLMYAYS